The following is an entry in ClinVar:

ClinVar aggregate classification (germline): Uncertain significance (1 of 4 stars; one submission).

Submission:

GeneDx
Classification: Uncertain significance. Last evaluated: 2024-12-11. Review status: criteria provided, single submitter. Criteria: GeneDx Variant Classification Process June 2021. Collection method: clinical testing. Allele origin: germline. Affected: yes.
Comment: Not observed at significant frequency in large population cohorts (gnomAD); In silico analysis supports that this missense variant has a deleterious effect on protein structure/function; Has not been previously published as pathogenic or benign to our knowledge

NM_014225.6(PPP2R1A):c.110C>T (p.Thr37Ile)

Gene: PPP2R1A (protein phosphatase 2 scaffold subunit Aalpha; plus strand). Cytogenetic location: 19q13.41.
Variant type: single nucleotide variant.
Coding change: c.110C>T on transcript NM_014225.6 (MANE Select); coding-DNA position 110, C replaced by T.
Protein change: p.Thr37Ile; replaces threonine 37 with isoleucine.
Molecular consequence: missense variant. On other transcripts: 5 prime UTR variant (1), non-coding transcript variant (1).
Genome position (GRCh38, 1-based): chr19:52,201,975, C>T. VCF-style: chr19-52201975-C-T. GRCh37 (hg19) VCF-style: chr19-52705228-C-T.
Other names: c.-428C>T (NM_001363656.2); short protein forms T37I.
Identifiers: ClinVar variation 3902873 (VCV003902873.1).